The following is an entry in ClinVar:

NM_004807.3(HS6ST1):c.1166G>A (p.Arg389Gln)

Gene: HS6ST1 (heparan sulfate 6-O-sulfotransferase 1; minus strand). Cytogenetic location: 2q14.3.
Variant type: single nucleotide variant.
Coding change: c.1166G>A on transcript NM_004807.3 (MANE Select); coding-DNA position 1166, G replaced by A.
Protein change: p.Arg389Gln; replaces arginine 389 with glutamine.
Molecular consequence: missense variant.
Genome position (GRCh38, 1-based): chr2:128,268,232, C>T on the plus strand (G>A on the coding strand, the complement: HS6ST1 is on the minus strand). VCF-style: chr2-128268232-C-T. GRCh37 (hg19) VCF-style: chr2-129025806-C-T.
Other names: short protein forms R389Q.
Identifiers: ClinVar variation 4745275 (VCV004745275.1).
Genomic context (GRCh38, chr2:128,268,232, plus strand): 5'-TCAATGATGTGGCTCATGTAGTCCTCGGTGGGCACGCGGCCCGGCTCGTCGGCATCCTCC[C>T]GCGGCAGTGCCTCCTTGGCCCGGTGCAGCAGACGCTCCTCGCGGCTCCTCAGGCGCTGCT-3'
Protein context (NP_004798.3, residues 379-399): LLHRAKEALP[Arg389Gln]EDADEPGRVP

ClinVar aggregate classification (germline): Uncertain significance (1 of 4 stars; one submission).

Submission:

Labcorp Genetics (formerly Invitae), Labcorp
Classification: Uncertain significance. Last evaluated: 2025-07-30. Review status: criteria provided, single submitter. Criteria: Invitae Variant Classification Sherloc (09022015). Collection method: clinical testing. Allele origin: germline.
Comment: This sequence change replaces arginine, which is basic and polar, with glutamine, which is neutral and polar, at codon 389 of the HS6ST1 protein (p.Arg389Gln). This variant is present in population databases (rs368587620, gnomAD 0.2%), and has an allele count higher than expected for a pathogenic variant. This missense change has been observed in individual(s) with congenital hypogonadotropic hypogonadism (PMID: 34348883). An algorithm developed to predict the effect of missense changes on protein structure and function (PolyPhen-2) suggests that this variant is likely to be tolerated. In summary, the available evidence is currently insufficient to determine the role of this variant in disease. Therefore, it has been classified as a Variant of Uncertain Significance.

Literature cited by the submitters: PubMed 34348883.